The following is an entry in ClinVar:

ClinVar aggregate classification (germline): Uncertain significance. Review status: criteria provided, multiple submitters, no conflicts (2 of 4 stars). 3 submissions from 3 submitters: Uncertain significance (3). Last evaluated 2026-01-30.

Conditions:
CC2D2A-related disorder. Also called: CC2D2A-related condition; CC2D2A-related disorders. Identifiers: MedGen CN239313.
Inborn genetic diseases. Identifiers: MedGen C0950123, MeSH D030342.
Joubert syndrome. Also called: JOUBERT-BOLTSHAUSER SYNDROME; Familial aplasia of the vermis. Identifiers: Orphanet 475, MedGen C5979921, MONDO:0018772.
Meckel-Gruber syndrome. Also called: DYSENCEPHALIA SPLANCHNOCYSTICA; GRUBER SYNDROME; Dysencephalia splachnocystica. Identifiers: Orphanet 564, MedGen C0265215, MONDO:0018921.

Allele frequency attached by ClinVar (database versions not stated): TOPMed below 0.00001; gnomAD 0.00001.
gnomAD v4.1: 20 of 1,580,450 alleles (0.0013%); highest among the groups gnomAD compares: South Asian, 0.024%; no homozygotes.

Submissions (3):

PreventionGenetics, part of Exact Sciences
Classification: Uncertain significance for CC2D2A-related condition. Last evaluated: 2026-01-30. Review status: criteria provided, single submitter. Criteria: ACMG Guidelines, 2015. Collection method: clinical testing. Allele origin: germline.
Comment: The CC2D2A c.644G>C variant is predicted to result in the amino acid substitution p.Arg215Thr. To our knowledge, this variant has not been reported in the literature. This variant is reported in 0.016% of alleles in individuals of South Asian descent in gnomAD. At this time, the clinical significance of this variant is uncertain due to the absence of conclusive functional and genetic evidence.

Ambry Genetics
Classification: Uncertain significance for Inborn genetic diseases. Last evaluated: 2025-10-01. Review status: criteria provided, single submitter. Criteria: Ambry Variant Classification Scheme 2023. Collection method: clinical testing. Allele origin: germline.

Labcorp Genetics (formerly Invitae), Labcorp
Classification: Uncertain significance for Joubert syndrome; Meckel-Gruber syndrome. Last evaluated: 2025-04-18. Review status: criteria provided, single submitter. Criteria: Invitae Variant Classification Sherloc (09022015). Collection method: clinical testing. Allele origin: germline.
Comment: This sequence change replaces arginine, which is basic and polar, with threonine, which is neutral and polar, at codon 215 of the CC2D2A protein (p.Arg215Thr). This variant is present in population databases (rs756061892, gnomAD 0.02%). This variant has not been reported in the literature in individuals affected with CC2D2A-related conditions. ClinVar contains an entry for this variant (Variation ID: 2086337). Invitae Evidence Modeling of protein sequence and biophysical properties (such as structural, functional, and spatial information, amino acid conservation, physicochemical variation, residue mobility, and thermodynamic stability) indicates that this missense variant is not expected to disrupt CC2D2A protein function with a negative predictive value of 95%. In summary, the available evidence is currently insufficient to determine the role of this variant in disease. Therefore, it has been classified as a Variant of Uncertain Significance.

NM_001378615.1(CC2D2A):c.644G>C (p.Arg215Thr)

Genes: CC2D2A (coiled-coil and C2 domain containing 2A; plus strand), FBXL5 (F-box and leucine rich repeat protein 5; minus strand). Cytogenetic location: 4p15.32.
Variant type: single nucleotide variant.
Coding change: c.644G>C on transcript NM_001378615.1 (MANE Select); coding-DNA position 644, G replaced by C.
Protein change: p.Arg215Thr; replaces arginine 215 with threonine.
Molecular consequence: missense variant.
Genome position (GRCh38, 1-based): chr4:15,511,350, G>C. VCF-style: chr4-15511350-G-C. GRCh37 (hg19) VCF-style: chr4-15512973-G-C.
Other names: c.644G>C, p.Arg215Thr (NM_001080522.2); c.497G>C, p.Arg166Thr (NM_001378617.1); short protein forms R166T, R215T.
Identifiers: ClinVar variation 2086337 (VCV002086337.4), dbSNP rs756061892, ClinGen allele CA2863455.